The following is an entry in ClinVar:

NM_017514.5(PLXNA3):c.1600G>A (p.Glu534Lys)

Gene: PLXNA3 (plexin A3; plus strand). Cytogenetic location: Xq28.
Variant type: single nucleotide variant.
Coding change: c.1600G>A on transcript NM_017514.5 (MANE Select); coding-DNA position 1600, G replaced by A.
Protein change: p.Glu534Lys; replaces glutamic acid 534 with lysine.
Molecular consequence: missense variant.
Genome position (GRCh38, 1-based): chrX:154,464,003, G>A. VCF-style: chrX-154464003-G-A. GRCh37 (hg19) VCF-style: chrX-153692346-G-A.
Other names: short protein forms E534K.
Identifiers: ClinVar variation 3351100 (VCV003351100.1).

ClinVar aggregate classification (germline): Uncertain significance (0 of 4 stars; one submission).

Conditions:
PLXNA3-related disorder. Also called: PLXNA3-related condition.

gnomAD v4.1: 1 of 1,204,750 alleles (0.000083%); highest among the groups gnomAD compares: African/African-American, 0.0017%; no homozygotes.

Submission:

PreventionGenetics, part of Exact Sciences
Classification: Uncertain significance for PLXNA3-related condition. Last evaluated: 2024-05-22. Review status: no assertion criteria provided. Collection method: clinical testing. Allele origin: germline.
Comment: The PLXNA3 c.1600G>A variant is predicted to result in the amino acid substitution p.Glu534Lys. To our knowledge, this variant has not been reported in the literature or in a large population database, indicating this variant is rare. At this time, the clinical significance of this variant is uncertain due to the absence of conclusive functional and genetic evidence.